The following is an entry in ClinVar:

NM_001378452.1(ITPR1):c.773A>T (p.Lys258Met)

Gene: ITPR1 (inositol 1,4,5-trisphosphate receptor type 1; plus strand). Cytogenetic location: 3p26.1.
Variant type: single nucleotide variant.
Coding change: c.773A>T on transcript NM_001378452.1 (MANE Select); coding-DNA position 773, A replaced by T.
Protein change: p.Lys258Met; replaces lysine 258 with methionine.
Molecular consequence: missense variant.
Genome position (GRCh38, 1-based): chr3:4,645,646, A>T. VCF-style: chr3-4645646-A-T. GRCh37 (hg19) VCF-style: chr3-4687330-A-T.
Other names: c.773A>T, p.Lys258Met (NM_001099952.4, NM_001168272.2, NM_002222.7); short protein forms K258M.
Identifiers: ClinVar variation 3256728 (VCV003256728.1).

ClinVar aggregate classification (germline): Likely pathogenic (0 of 4 stars; one submission).

Conditions:
Spinocerebellar ataxia type 15/16 (SCA15). Also called: Spinocerebellar Ataxia Type 15. Identifiers: Orphanet 98769, MedGen C1847725, MONDO:0011694, OMIM 606658.

gnomAD v4.1: 1 of 1,613,560 alleles (0.000062%); highest among the groups gnomAD compares: Non-Finnish European, 0.000085%; no homozygotes.

Submission:

Solve-RD Consortium
Classification: Likely pathogenic for Spinocerebellar ataxia type 15/16. Last evaluated: 2022-06-01. Review status: no assertion criteria provided. Collection method: provider interpretation. Allele origin: inherited. Affected: yes.
Comment: Variant confirmed as disease-causing by referring clinical team

Variant identified during reanalysis of unsolved cases by the Solve-RD project. The Solve-RD project has received funding from the European Union’s Horizon 2020 research and innovation programme under grant agreement No 779257.

Literature cited by the submitters: PubMed 39825153.